The following is an entry in ClinVar:

NM_000198.4(HSD3B2):c.551del (p.Ala183_Leu184insTer)

Gene: HSD3B2 (hydroxy-delta-5-steroid dehydrogenase, 3 beta- and steroid delta-isomerase 2; plus strand). Cytogenetic location: 1p12.
Variant type: Deletion.
Coding change: c.551del on transcript NM_000198.4 (MANE Select); coding-DNA position 551, one base deleted (T; older notation c.551delT).
Protein change: p.Ala183_Leu184insTer.
Molecular consequence: nonsense.
Genome position (GRCh38, 1-based): chr1:119,422,052, T deleted; the last of 2 consecutive T bases (chr1:119,422,051-119,422,052); deleting either gives the same sequence. VCF-style (leftmost placement, unchanged base first): chr1-119422050-GT-G. GRCh37 (hg19) VCF-style: chr1-119964673-GT-G.
Other names: c.551del, p.Ala183_Leu184insTer (NM_001166120.2).
Identifiers: ClinVar variation 649860 (VCV000649860.7), dbSNP rs1570822744, ClinGen allele CA915941396.

ClinVar aggregate classification (germline): Likely pathogenic (1 of 4 stars; one submission).

Submission:

Labcorp Genetics (formerly Invitae), Labcorp
Classification: Likely pathogenic. Last evaluated: 2021-08-06. Review status: criteria provided, single submitter. Criteria: Invitae Variant Classification Sherloc (09022015). Collection method: clinical testing. Allele origin: germline.
Comment: This sequence change results in a premature translational stop signal in the HSD3B2 gene (p.Leu184*). While this is not anticipated to result in nonsense mediated decay, it is expected to disrupt the last 355 amino acids of the HSD3B2 protein. This variant is not present in population databases (ExAC no frequency). This variant has not been reported in the literature in individuals with HSD3B2-related conditions. Experimental studies and prediction algorithms are not available for this variant, and the functional significance of the affected amino acid(s) is currently unknown. This variant disrupts the C-terminus of the HSD3B2 protein, which has been demonstrated to be critical for enzymatic activity (PMID: 1825279). While functional studies have not been performed to directly test the effect of this variant on HSD3B2 protein function, this suggests that disruption of this region of the protein is causative of disease. In summary, the currently available evidence indicates that the variant is pathogenic, but additional data are needed to prove that conclusively. Therefore, this variant has been classified as Likely Pathogenic.

Literature cited by the submitters: PubMed 1825279.